The following is an entry in ClinVar:

NM_006514.4(SCN10A):c.5264C>G (p.Ala1755Gly)

Gene: SCN10A (sodium voltage-gated channel alpha subunit 10; minus strand). Cytogenetic location: 3p22.2.
Variant type: single nucleotide variant.
Coding change: c.5264C>G on transcript NM_006514.4 (MANE Select); coding-DNA position 5264, C replaced by G.
Protein change: p.Ala1755Gly; replaces alanine 1755 with glycine.
Molecular consequence: missense variant.
Genome position (GRCh38, 1-based): chr3:38,697,956, G>C on the plus strand (C>G on the coding strand, the complement: SCN10A is on the minus strand). VCF-style: chr3-38697956-G-C. GRCh37 (hg19) VCF-style: chr3-38739447-G-C.
Other names: c.5261C>G, p.Ala1754Gly (NM_001293306.2); c.4970C>G, p.Ala1657Gly (NM_001293307.2); short protein forms A1657G, A1755G, A1754G.
Identifiers: ClinVar variation 1043538 (VCV001043538.5), dbSNP rs552795944, ClinGen allele CA352154139.

ClinVar aggregate classification (germline): Uncertain significance (1 of 4 stars; one submission).

Conditions:
Brugada syndrome. Also called: Sudden unexpected nocturnal death syndrome; Sudden unexplained nocturnal death syndrome; Sudden Unexplained Death Syndrome; Sudden Unexplained Nocturnal Death Syndrome (SUNDS). Identifiers: Orphanet 130, MedGen C1142166, MONDO:0015263.

Submission:

Labcorp Genetics (formerly Invitae), Labcorp
Classification: Uncertain significance for Brugada syndrome. Last evaluated: 2020-10-20. Review status: criteria provided, single submitter. Criteria: Invitae Variant Classification Sherloc (09022015). Collection method: clinical testing. Allele origin: germline.
Comment: In summary, the available evidence is currently insufficient to determine the role of this variant in disease. Therefore, it has been classified as a Variant of Uncertain Significance. Advanced modeling of protein sequence and biophysical properties (such as structural, functional, and spatial information, amino acid conservation, physicochemical variation, residue mobility, and thermodynamic stability) performed at Invitae indicates that this missense variant is expected to disrupt SCN10A protein function. This variant has not been reported in the literature in individuals with SCN10A-related conditions. This variant is not present in population databases (ExAC no frequency). This sequence change replaces alanine with glycine at codon 1755 of the SCN10A protein (p.Ala1755Gly). The alanine residue is moderately conserved and there is a small physicochemical difference between alanine and glycine.